The following is an entry in ClinVar:

ClinVar aggregate classification (germline): Uncertain significance (1 of 4 stars; one submission).

Allele frequency attached by ClinVar (database versions not stated): ExAC 0.00001.
gnomAD v4.1: 3 of 1,199,842 alleles (0.00025%); highest among the groups gnomAD compares: Non-Finnish European, 0.00034%; no homozygotes.

Submissions (2):

Labcorp Genetics (formerly Invitae), Labcorp
Classification: Uncertain significance. Last evaluated: 2023-05-16. Review status: criteria provided, single submitter. Criteria: Invitae Variant Classification Sherloc (09022015). Collection method: clinical testing. Allele origin: germline.
Comment: In summary, the available evidence is currently insufficient to determine the role of this variant in disease. Therefore, it has been classified as a Variant of Uncertain Significance. Advanced modeling of protein sequence and biophysical properties (such as structural, functional, and spatial information, amino acid conservation, physicochemical variation, residue mobility, and thermodynamic stability) performed at Invitae indicates that this missense variant is not expected to disrupt SH3KBP1 protein function. ClinVar contains an entry for this variant (Variation ID: 2097639). This variant has not been reported in the literature in individuals affected with SH3KBP1-related conditions. This variant is present in population databases (rs752813115, gnomAD 0.001%). This sequence change replaces glycine, which is neutral and non-polar, with glutamic acid, which is acidic and polar, at codon 562 of the SH3KBP1 protein (p.Gly562Glu).

Dr. Peter K. Rogan Lab, Western University
No classification provided (evidence only). Condition: Thyroid cancer, nonmedullary, 1. Review status: no classification provided. Collection method: in vitro. Allele origin: not applicable. Functional consequence: retained intron. Not counted in ClinVar's aggregate classification.

NM_031892.3(SH3KBP1):c.1685G>A (p.Gly562Glu)

Gene: SH3KBP1 (SH3 domain containing kinase binding protein 1; minus strand). Cytogenetic location: Xp22.12.
Variant type: single nucleotide variant.
Coding change: c.1685G>A on transcript NM_031892.3 (MANE Select); coding-DNA position 1685, G replaced by A.
Protein change: p.Gly562Glu; replaces glycine 562 with glutamic acid.
Molecular consequence: missense variant.
Genome position (GRCh38, 1-based): chrX:19,542,132, C>T on the plus strand (G>A on the coding strand, the complement: SH3KBP1 is on the minus strand). VCF-style: chrX-19542132-C-T. GRCh37 (hg19) VCF-style: chrX-19560250-C-T.
Other names: c.1574G>A, p.Gly525Glu (NM_001024666.3); c.971G>A, p.Gly324Glu (NM_001184960.2); c.1556G>A, p.Gly519Glu (NM_001353890.2); c.1760G>A, p.Gly587Glu (NM_001353891.2); c.1631G>A, p.Gly544Glu (NM_001353892.2); c.1583G>A, p.Gly528Glu (NM_001353893.2); c.1454G>A, p.Gly485Glu (NM_001353894.2); c.1511G>A, p.Gly504Glu (NM_001353895.2); and 4 more; short protein forms G460E, G525E, G504E, G519E, G606E, G281E, G528E, G562E.
Identifiers: ClinVar variation 2097639 (VCV002097639.5), dbSNP rs752813115, ClinGen allele CA10364473.
Genomic context (GRCh38, chrX:19,542,132, plus strand): 5'-CCAGCTGTTCCCAAAGAGGATGACAGGGGGGAGGGCGCCGCTGAGGACAGAGGGGCTGGC[C>T]CACCGCCACCTGCTGCCATGGTCCCCGGCTTGGGCGGCAGGGATGCTTTGTTGTCAGACA-3'
Protein context (NP_114098.1, residues 552-572): KPGTMAAGGG[Gly562Glu]PAPLSSAAPS